The following is an entry in ClinVar:

ClinVar aggregate classification (germline): Uncertain significance (1 of 4 stars; one submission).

Conditions:
POLD1-related polyposis and colorectal cancer syndrome (CRCS10). Also called: Colorectal cancer 10; COLORECTAL CANCER, SUSCEPTIBILITY TO, ON CHROMOSOME 19q; Colorectal cancer, susceptibility to, 10. Identifiers: Orphanet 220460, MedGen C2675481, MONDO:0012953, OMIM 612591.

Submission:

Labcorp Genetics (formerly Invitae), Labcorp
Classification: Uncertain significance for POLD1-related polyposis and colorectal cancer syndrome. Last evaluated: 2024-04-22. Review status: criteria provided, single submitter. Criteria: Invitae Variant Classification Sherloc (09022015). Collection method: clinical testing. Allele origin: germline.
Comment: This sequence change replaces glycine, which is neutral and non-polar, with glutamic acid, which is acidic and polar, at codon 184 of the POLD1 protein (p.Gly184Glu). This variant is not present in population databases (gnomAD no frequency). This variant has not been reported in the literature in individuals affected with POLD1-related conditions. Advanced modeling of protein sequence and biophysical properties (such as structural, functional, and spatial information, amino acid conservation, physicochemical variation, residue mobility, and thermodynamic stability) performed at Invitae indicates that this missense variant is not expected to disrupt POLD1 protein function with a negative predictive value of 80%. In summary, the available evidence is currently insufficient to determine the role of this variant in disease. Therefore, it has been classified as a Variant of Uncertain Significance.

NM_002691.4(POLD1):c.551G>A (p.Gly184Glu)

Gene: POLD1 (DNA polymerase delta 1, catalytic subunit; plus strand). Cytogenetic location: 19q13.33.
Variant type: single nucleotide variant.
Coding change: c.551G>A on transcript NM_002691.4 (MANE Select); coding-DNA position 551, G replaced by A.
Protein change: p.Gly184Glu; replaces glycine 184 with glutamic acid.
Molecular consequence: missense variant. On other transcripts: non-coding transcript variant (1).
Genome position (GRCh38, 1-based): chr19:50,402,086, G>A. VCF-style: chr19-50402086-G-A. GRCh37 (hg19) VCF-style: chr19-50905343-G-A.
Other names: c.551G>A, p.Gly184Glu (NM_001256849.1, NM_001308632.1); short protein forms G184E.
Identifiers: ClinVar variation 3650511 (VCV003650511.2).